The following is an entry in ClinVar:

ClinVar aggregate classification (germline): Uncertain significance (1 of 4 stars; one submission).

gnomAD v4.1: 2 of 1,612,424 alleles (0.00012%); highest among the groups gnomAD compares: South Asian, 0.0022%; no homozygotes.

Submission:

Labcorp Genetics (formerly Invitae), Labcorp
Classification: Uncertain significance. Last evaluated: 2024-02-10. Review status: criteria provided, single submitter. Criteria: Invitae Variant Classification Sherloc (09022015). Collection method: clinical testing. Allele origin: germline.
Comment: This sequence change replaces arginine, which is basic and polar, with glycine, which is neutral and non-polar, at codon 1410 of the COL11A1 protein (p.Arg1410Gly). This variant is present in population databases (no rsID available, gnomAD 0.003%). This variant has not been reported in the literature in individuals affected with COL11A1-related conditions. Advanced modeling of protein sequence and biophysical properties (such as structural, functional, and spatial information, amino acid conservation, physicochemical variation, residue mobility, and thermodynamic stability) has been performed at Invitae for this missense variant, however the output from this modeling did not meet the statistical confidence thresholds required to predict the impact of this variant on COL11A1 protein function. In summary, the available evidence is currently insufficient to determine the role of this variant in disease. Therefore, it has been classified as a Variant of Uncertain Significance.

NM_001854.4(COL11A1):c.4228C>G (p.Arg1410Gly)

Gene: COL11A1 (collagen type XI alpha 1 chain; minus strand). Cytogenetic location: 1p21.1.
Variant type: single nucleotide variant.
Coding change: c.4228C>G on transcript NM_001854.4 (MANE Select); coding-DNA position 4228, C replaced by G.
Protein change: p.Arg1410Gly; replaces arginine 1410 with glycine.
Molecular consequence: missense variant. On other transcripts: non-coding transcript variant (1).
Genome position (GRCh38, 1-based): chr1:102,898,686, G>C on the plus strand (C>G on the coding strand, the complement: COL11A1 is on the minus strand). VCF-style: chr1-102898686-G-C. GRCh37 (hg19) VCF-style: chr1-103364242-G-C.
Other names: c.4111C>G, p.Arg1371Gly (NM_001190709.2); c.4264C>G, p.Arg1422Gly (NM_080629.3); c.3880C>G, p.Arg1294Gly (NM_080630.4); short protein forms R1294G, R1410G, R1422G, R1371G.
Identifiers: ClinVar variation 3683922 (VCV003683922.2).